The following is an entry in ClinVar:

ClinVar aggregate classification (germline): Conflicting classifications of pathogenicity. Review status: criteria provided, conflicting classifications (1 of 4 stars). 2 submissions from 2 submitters: Pathogenic (1); Uncertain significance (1). Last evaluated 2026-01-21.

Conditions:
Hereditary cancer-predisposing syndrome. Also called: Hereditary Cancer Syndrome; Neoplastic Syndromes, Hereditary; Tumor predisposition; Hereditary neoplastic syndrome. Identifiers: Orphanet 140162, MedGen C0027672, MeSH D009386, MONDO:0015356.

Submissions (2):

Ambry Genetics
Classification: Uncertain significance for Hereditary cancer-predisposing syndrome. Last evaluated: 2026-01-21. Review status: criteria provided, single submitter. Criteria: Ambry Variant Classification Scheme 2023. Collection method: clinical testing. Allele origin: germline.
Comment: The p.E396* variant (also known as c.1186G>T), located in coding exon 12 of the POLE gene, results from a G to T substitution at nucleotide position 1186. This changes the amino acid from a glutamic acid to a stop codon within coding exon 12. This alteration is expected to result in loss of function by premature protein truncation or nonsense-mediated mRNA decay. Although biallelic loss of function of POLE has been associated with autosomal recessive POLE deficiency, haploinsufficiency of POLE has not been established as a mechanism of disease for POLE-related polymerase proofreading-associated polyposis (PPAP) and POLE-related CMMRD-like syndrome. Based on the supporting evidence, this variant is expected to be causative of POLE deficiency when present along with a second pathogenic variant on the other allele; however, its clinical significance for PPAP and POLE-related CMMRD-like syndrome is unclear.

Labcorp Genetics (formerly Invitae), Labcorp
Classification: Pathogenic. Last evaluated: 2022-05-12. Review status: criteria provided, single submitter. Criteria: Invitae Variant Classification Sherloc (09022015). Collection method: clinical testing. Allele origin: germline.
Comment: This sequence change creates a premature translational stop signal (p.Glu396*) in the POLE gene. It is expected to result in an absent or disrupted protein product. Loss-of-function variants in POLE are known to be pathogenic (PMID: 23230001, 25948378, 30503519). This variant is not present in population databases (gnomAD no frequency). This variant has not been reported in the literature in individuals affected with POLE-related conditions. ClinVar contains an entry for this variant (Variation ID: 1058930). For these reasons, this variant has been classified as Pathogenic.

Literature cited by the submitters: PubMed 23230001 (cited by Labcorp Genetics (formerly Invitae), Labcorp); PubMed 25948378 (cited by Labcorp Genetics (formerly Invitae), Labcorp); PubMed 30503519 (cited by Labcorp Genetics (formerly Invitae), Labcorp).

NM_006231.4(POLE):c.1186G>T (p.Glu396Ter)

Gene: POLE (DNA polymerase epsilon, catalytic subunit; minus strand). Cytogenetic location: 12q24.33.
Variant type: single nucleotide variant.
Coding change: c.1186G>T on transcript NM_006231.4 (MANE Select); coding-DNA position 1186, G replaced by T.
Protein change: p.Glu396Ter; replaces glutamic acid 396 with a stop codon.
Molecular consequence: nonsense.
Genome position (GRCh38, 1-based): chr12:132,675,438, C>A on the plus strand (G>T on the coding strand, the complement: POLE is on the minus strand). VCF-style: chr12-132675438-C-A. GRCh37 (hg19) VCF-style: chr12-133252024-C-A.
Other names: short protein forms E396*.
Identifiers: ClinVar variation 1058930 (VCV001058930.12), dbSNP rs776752006, ClinGen allele CA387360836.
Genomic context (GRCh38, chr12:132,675,438, plus strand): 5'-TGCTGCTCTGTGGCCCCTACCTGAGGCAGTCCATGTGGATGCACTGGGGCGCCTTGTACT[C>A]CCCCTGGCTGTCCTTCTGGAAGCCTATCTCCTGCTGCATGCTCAGACCGTGGACTGCTGC-3'